The following is an entry in ClinVar:

NM_006591.3(POLD3):c.1118A>C (p.Lys373Thr)

Gene: POLD3 (DNA polymerase delta 3, accessory subunit; plus strand). Cytogenetic location: 11q13.4.
Variant type: single nucleotide variant.
Coding change: c.1118A>C on transcript NM_006591.3 (MANE Select); coding-DNA position 1118, A replaced by C.
Protein change: p.Lys373Thr; replaces lysine 373 with threonine.
Molecular consequence: missense variant. On other transcripts: non-coding transcript variant (2).
Genome position (GRCh38, 1-based): chr11:74,634,694, A>C. VCF-style: chr11-74634694-A-C. GRCh37 (hg19) VCF-style: chr11-74345739-A-C.
Other names: NC_000011.9:g.74345739A>C; c.1001A>C, p.Lys334Thr (NM_001363597.2); c.1118A>C (NM_006591.2); short protein forms K373T, K334T.
Identifiers: ClinVar variation 3250357 (VCV003250357.4), dbSNP rs181857010.

ClinVar aggregate classification (germline): Conflicting classifications of pathogenicity. Review status: criteria provided, conflicting classifications (1 of 4 stars). 3 submissions from 3 submitters: Likely pathogenic (1); Uncertain significance (1). 1 of the submissions does not count toward it. Last evaluated 2026-04-23.

Conditions:
Immunodeficiency 122. Identifiers: MedGen C5935632, MONDO:0971151, OMIM 620869.
POLD3-related disorder. Also called: POLD3-related condition.

Allele frequency attached by ClinVar (database versions not stated): 1000 Genomes Project 0.00040; 1000 Genomes Project 30x 0.00047; ESP Exome Variant Server 0.00031; gnomAD 0.00056; TOPMed 0.00095.
gnomAD v4.1: 582 of 1,550,556 alleles (0.038%); highest among the groups gnomAD compares: Middle Eastern, 0.34%; no homozygotes.

Submissions (6):

PreventionGenetics, part of Exact Sciences
Classification: Uncertain significance for POLD3-related condition. Last evaluated: 2026-04-23. Review status: criteria provided, single submitter. Criteria: ACMG Guidelines, 2015. Collection method: clinical testing. Allele origin: germline.
Comment: The POLD3 c.1118A>C variant is predicted to result in the amino acid substitution p.Lys373Thr. This variant was reported in an individual with colorectal cancer (Table S1, Arora et al. 2015. PubMed ID: 26344056) and in homozygous state in an individual with Omenn Syndrome and functional studies suggested this variant may impact protein function (Riestra et al. 2023. PubMed ID: 38099988). This variant is reported in 0.25% of alleles in individuals of Ashkenazi Jewish descent in gnomAD. At this time, the clinical significance of this variant is uncertain due to the absence of conclusive functional and genetic evidence.

First Genomix Gene Laboratory, Genetic Diagnostics Department
Classification: Likely pathogenic for Immunodeficiency 122. Last evaluated: 2025-06-04. Review status: criteria provided, single submitter. Criteria: ACMG Guidelines, 2015. Collection method: clinical testing. Allele origin: germline. Inheritance: Autosomal recessive inheritance. Affected: no. Observed: 1 variant allele.

Dr. Peter K. Rogan Lab, Western University
No classification provided (evidence only). Condition: Acute myeloid leukemia. Review status: no classification provided. Collection method: in vitro. Allele origin: not applicable. Functional consequence: retained intron. Not counted in ClinVar's aggregate classification.

Dr. Peter K. Rogan Lab, Western University
No classification provided (evidence only). Condition: Nonpapillary renal cell carcinoma. Review status: no classification provided. Collection method: in vitro. Allele origin: not applicable. Functional consequence: retained intron. Not counted in ClinVar's aggregate classification.

Dr. Peter K. Rogan Lab, Western University
No classification provided (evidence only). Condition: Ovarian serous cystadenocarcinoma. Review status: no classification provided. Collection method: in vitro. Allele origin: not applicable. Functional consequence: retained intron. Not counted in ClinVar's aggregate classification.

OMIM
Classification: Pathogenic for IMMUNODEFICIENCY 122. Last evaluated: 2024-07-03. Review status: flagged submission. Collection method: literature only. Allele origin: germline. Not counted in ClinVar's aggregate classification.
ClinVar note: Notes: Flagging candidate with reason of insufficient supporting evidence. This gene has been classified as having a limited gene-disease relationship by a ClinGen Expert Panel.
ClinVar note: Reason: P/LP classification for a variant in a gene with insufficient evidence for a gene-disease relationship

Literature cited by the submitters: PubMed 38099988 (cited by OMIM); Hamosh, A. Personal Communication. 2024. Baltimore, Md. (cited by OMIM).